The following is an entry in ClinVar:

NM_153252.5(BRWD3):c.*3850G>C

Gene: BRWD3 (bromodomain and WD repeat domain containing 3; minus strand). Cytogenetic location: Xq21.1.
Variant type: single nucleotide variant.
Coding change: c.*3850G>C on transcript NM_153252.5 (MANE Select); 3850 bases downstream of the stop codon, G replaced by C.
Molecular consequence: 3 prime UTR variant.
Genome position (GRCh38, 1-based): chrX:80,672,759, C>G on the plus strand (G>C on the coding strand, the complement: BRWD3 is on the minus strand). VCF-style: chrX-80672759-C-G. GRCh37 (hg19) VCF-style: chrX-79928258-C-G.
Identifiers: ClinVar variation 368700 (VCV000368700.6), dbSNP rs45627037, ClinGen allele CA10646408.

ClinVar aggregate classification (germline): Benign. Review status: criteria provided, multiple submitters, no conflicts (2 of 4 stars). 2 submissions from 2 submitters: Benign (2). Last evaluated 2017-04-27.

Conditions:
Intellectual developmental disorder, X-linked 93. Also called: MENTAL RETARDATION, X-LINKED, WITH MACROCEPHALY; Intellectual disability, X-linked 93. Identifiers: MedGen C1970841, MONDO:0010393, OMIM 300659.

Allele frequency attached by ClinVar (database versions not stated): TOPMed 0.15746; gnomAD 0.16452 and 0.15831; 1000 Genomes Project 30x 0.22206; 1000 Genomes Project 0.22437.

Submissions (2):

Illumina Laboratory Services, Illumina
Classification: Benign for Intellectual developmental disorder, X-linked 93. Last evaluated: 2017-04-27. Review status: criteria provided, single submitter. Criteria: ICSL Variant Classification Criteria 13 December 2019. Collection method: clinical testing. Allele origin: germline.
Comment: This variant was observed as part of a predisposition screen in an ostensibly healthy population. A literature search was performed for the gene, cDNA change, and amino acid change (where applicable). No publications were found based on this search. Allele frequency data from public databases was too high to be consistent with this variant causing disease. Therefore, this variant is classified as benign.

Breakthrough Genomics
Classification: Benign. Review status: criteria provided, single submitter. Criteria: ACMG Guidelines, 2015. Collection method: not provided. Allele origin: germline. Inheritance: X-linked inheritance. Affected: yes.